The following is an entry in ClinVar:

NM_001009944.3(PKD1):c.8281C>A (p.Arg2761Ser)

Gene: PKD1 (polycystin 1, transient receptor potential channel interacting; minus strand). Cytogenetic location: 16p13.3.
Variant type: single nucleotide variant.
Coding change: c.8281C>A on transcript NM_001009944.3 (MANE Select); coding-DNA position 8281, C replaced by A.
Protein change: p.Arg2761Ser; replaces arginine 2761 with serine.
Molecular consequence: missense variant.
Genome position (GRCh38, 1-based): chr16:2,103,776, G>T on the plus strand (C>A on the coding strand, the complement: PKD1 is on the minus strand). VCF-style: chr16-2103776-G-T. GRCh37 (hg19) VCF-style: chr16-2153777-G-T.
Other names: p.Arg2761Ser; c.8281C>A, p.Arg2761Ser (NM_000296.4); short protein forms R2761S.
Identifiers: ClinVar variation 4541991 (VCV004541991.1).

ClinVar aggregate classification (germline): Uncertain significance (1 of 4 stars; one submission).

Submission:

Mayo Clinic Laboratories, Mayo Clinic
Classification: Uncertain significance. Last evaluated: 2025-12-10. Review status: criteria provided, single submitter. Criteria: ACMG Guidelines, 2015. Collection method: clinical testing. Allele origin: germline. Observed: 2 variant alleles.
Comment: BP4, PM2_supporting

Literature cited by the submitters: PubMed 24611717.